The following is an entry in ClinVar:

NM_004304.5(ALK):c.1473A>T (p.Gln491His)

Gene: ALK (ALK receptor tyrosine kinase; minus strand). Cytogenetic location: 2p23.2.
Variant type: single nucleotide variant.
Coding change: c.1473A>T on transcript NM_004304.5 (MANE Select); coding-DNA position 1473, A replaced by T.
Protein change: p.Gln491His; replaces glutamine 491 with histidine.
Molecular consequence: missense variant.
Genome position (GRCh38, 1-based): chr2:29,320,824, T>A on the plus strand (A>T on the coding strand, the complement: ALK is on the minus strand). VCF-style: chr2-29320824-T-A. GRCh37 (hg19) VCF-style: chr2-29543690-T-A.
Other names: short protein forms Q491H.
Identifiers: ClinVar variation 1471963 (VCV001471963.9), dbSNP rs1573227409, ClinGen allele CA346472467.

ClinVar aggregate classification (germline): Uncertain significance. Review status: criteria provided, multiple submitters, no conflicts (2 of 4 stars). 3 submissions from 3 submitters: Uncertain significance (3). Last evaluated 2024-03-04.

Conditions:
Hereditary cancer-predisposing syndrome. Also called: Hereditary neoplastic syndrome; Tumor predisposition; Neoplastic Syndromes, Hereditary; Hereditary Cancer Syndrome. Identifiers: Orphanet 140162, MedGen C0027672, MeSH D009386, MONDO:0015356.
Neuroblastoma, susceptibility to, 3. Also called: ALK-Related Neuroblastic Tumor Susceptibility. Identifiers: Orphanet 635, MedGen C2751681, MONDO:0013083, OMIM 613014.

Allele frequency attached by ClinVar (database versions not stated): gnomAD exomes 0.00001.
gnomAD v4.1: 4 of 1,614,142 alleles (0.00025%); highest among the groups gnomAD compares: East Asian, 0.0089%; no homozygotes.

Submissions (3):

GeneDx
Classification: Uncertain significance. Last evaluated: 2024-03-04. Review status: criteria provided, single submitter. Criteria: GeneDx Variant Classification Process June 2021. Collection method: clinical testing. Allele origin: germline. Affected: yes.
Comment: Not observed at significant frequency in large population cohorts (gnomAD); In silico analysis supports that this missense variant does not alter protein structure/function; Has not been previously published as pathogenic or benign to our knowledge

Labcorp Genetics (formerly Invitae), Labcorp
Classification: Uncertain significance for Neuroblastoma, susceptibility to, 3. Last evaluated: 2023-06-23. Review status: criteria provided, single submitter. Criteria: Invitae Variant Classification Sherloc (09022015). Collection method: clinical testing. Allele origin: germline.
Comment: This sequence change replaces glutamine, which is neutral and polar, with histidine, which is basic and polar, at codon 491 of the ALK protein (p.Gln491His). This variant is not present in population databases (gnomAD no frequency). This variant has not been reported in the literature in individuals affected with ALK-related conditions. ClinVar contains an entry for this variant (Variation ID: 1471963). An algorithm developed to predict the effect of missense changes on protein structure and function (PolyPhen-2) suggests that this variant is likely to be tolerated. In summary, the available evidence is currently insufficient to determine the role of this variant in disease. Therefore, it has been classified as a Variant of Uncertain Significance.

Ambry Genetics
Classification: Uncertain significance for Hereditary cancer-predisposing syndrome. Last evaluated: 2022-03-07. Review status: criteria provided, single submitter. Criteria: Ambry Variant Classification Scheme 2023. Collection method: clinical testing. Allele origin: germline.
Comment: The p.Q491H variant (also known as c.1473A>T), located in coding exon 7 of the ALK gene, results from an A to T substitution at nucleotide position 1473. The glutamine at codon 491 is replaced by histidine, an amino acid with highly similar properties. This amino acid position is conserved. In addition, this alteration is predicted to be tolerated by in silico analysis. Since supporting evidence is limited at this time, the clinical significance of this alteration remains unclear.